The following is an entry in ClinVar:

NM_004523.4(KIF11):c.2252A>G (p.Gln751Arg)

Gene: KIF11 (kinesin family member 11; plus strand). Cytogenetic location: 10q23.33.
Variant type: single nucleotide variant.
Coding change: c.2252A>G on transcript NM_004523.4 (MANE Select); coding-DNA position 2252, A replaced by G.
Protein change: p.Gln751Arg; replaces glutamine 751 with arginine.
Molecular consequence: missense variant.
Genome position (GRCh38, 1-based): chr10:92,639,885, A>G. VCF-style: chr10-92639885-A-G. GRCh37 (hg19) VCF-style: chr10-94399642-A-G.
Other names: short protein forms Q751R.
Identifiers: ClinVar variation 1521029 (VCV001521029.6), dbSNP rs1193898921, ClinGen allele CA377593784.
Genomic context (GRCh38, chr10:92,639,885, plus strand): 5'-AGAGATTCTGTGCTTTGGAGGAAAAGTGTGAAAATATACAGAAACCACTTAGTAGTGTCC[A>G]GGAAAATATACAGCAGTAAGCTATTTTTAAATTCTCTTAAACTTTTCTGTAAGTCTGAAA-3'
Protein context (NP_004514.2, residues 741-761): ENIQKPLSSV[Gln751Arg]ENIQQKSKDI

ClinVar aggregate classification (germline): Uncertain significance (1 of 4 stars; one submission).

Allele frequency attached by ClinVar (database versions not stated): gnomAD exomes below 0.00001; gnomAD 0.00001.
gnomAD v4.1: 2 of 1,571,408 alleles (0.00013%); highest among the groups gnomAD compares: East Asian, 0.0022%; no homozygotes.

Submission:

Labcorp Genetics (formerly Invitae), Labcorp
Classification: Uncertain significance. Last evaluated: 2021-03-28. Review status: criteria provided, single submitter. Criteria: Invitae Variant Classification Sherloc (09022015). Collection method: clinical testing. Allele origin: germline.
Comment: In summary, the available evidence is currently insufficient to determine the role of this variant in disease. Therefore, it has been classified as a Variant of Uncertain Significance. Algorithms developed to predict the effect of missense changes on protein structure and function output the following: SIFT: "Deleterious"; PolyPhen-2: "Benign"; Align-GVGD: "Class C35". The arginine amino acid residue is found in multiple mammalian species, suggesting that this missense change does not adversely affect protein function. These predictions have not been confirmed by published functional studies and their clinical significance is uncertain. This variant has not been reported in the literature in individuals with KIF11-related conditions. This variant is not present in population databases (ExAC no frequency). This sequence change replaces glutamine with arginine at codon 751 of the KIF11 protein (p.Gln751Arg). The glutamine residue is highly conserved and there is a small physicochemical difference between glutamine and arginine.